The following is an entry in ClinVar:

NM_020800.3(IFT80):c.1468A>G (p.Ile490Val)

Genes: TRIM59-IFT80 (TRIM59-IFT80 readthrough (NMD candidate); minus strand), IFT80 (intraflagellar transport 80; minus strand). Cytogenetic location: 3q25.33.
Variant type: single nucleotide variant.
Coding change: c.1468A>G on transcript NM_020800.3 (MANE Select); coding-DNA position 1468, A replaced by G.
Protein change: p.Ile490Val; replaces isoleucine 490 with valine.
Molecular consequence: missense variant. On other transcripts: non-coding transcript variant (3).
Genome position (GRCh38, 1-based): chr3:160,282,526, T>C on the plus strand (A>G on the coding strand, the complement: IFT80 is on the minus strand). VCF-style: chr3-160282526-T-C. GRCh37 (hg19) VCF-style: chr3-160000314-T-C.
Other names: c.1057A>G, p.Ile353Val (NM_001190241.2, NM_001190242.2); short protein forms I490V, I353V.
Identifiers: ClinVar variation 596875 (VCV000596875.9), dbSNP rs1559917807, ClinGen allele CA355192145.

ClinVar aggregate classification (germline): Uncertain significance. Review status: criteria provided, multiple submitters, no conflicts (2 of 4 stars). 2 submissions from 2 submitters: Uncertain significance (2). Last evaluated 2022-07-12.

Conditions:
Jeune thoracic dystrophy. Also called: Jeune syndrome; Short-rib thoracic dysplasia; Infantile thoracic dystrophy; Thoracic pelvic phalangeal dystrophy; Jeune's syndrome; Chondroectodermal dysplasia-like syndrome. Identifiers: Orphanet 474, MedGen C0265275, MONDO:0018770.

Allele frequency attached by ClinVar (database versions not stated): gnomAD exomes below 0.00001.
gnomAD v4.1: 1 of 1,596,540 alleles (0.000063%); highest among the groups gnomAD compares: Middle Eastern, 0.019%; no homozygotes.

Submissions (2):

Labcorp Genetics (formerly Invitae), Labcorp
Classification: Uncertain significance for Jeune thoracic dystrophy. Last evaluated: 2022-07-12. Review status: criteria provided, single submitter. Criteria: Invitae Variant Classification Sherloc (09022015). Collection method: clinical testing. Allele origin: germline.
Comment: This variant has not been reported in the literature in individuals affected with IFT80-related conditions. ClinVar contains an entry for this variant (Variation ID: 596875). Algorithms developed to predict the effect of missense changes on protein structure and function (SIFT, PolyPhen-2, Align-GVGD) all suggest that this variant is likely to be tolerated. In summary, the available evidence is currently insufficient to determine the role of this variant in disease. Therefore, it has been classified as a Variant of Uncertain Significance. This variant is not present in population databases (gnomAD no frequency). This sequence change replaces isoleucine, which is neutral and non-polar, with valine, which is neutral and non-polar, at codon 490 of the IFT80 protein (p.Ile490Val).

Eurofins Ntd Llc (ga)
Classification: Uncertain significance. Last evaluated: 2018-05-02. Review status: criteria provided, single submitter. Criteria: EGL ClinVar v180209 classification definitions. Collection method: clinical testing. Allele origin: germline. Observed: 2 variant alleles, 2 heterozygotes.